The following is an entry in ClinVar:

ClinVar aggregate classification (germline): Likely pathogenic (1 of 4 stars; one submission).

Conditions:
Hereditary cancer-predisposing syndrome. Also called: Neoplastic Syndromes, Hereditary; Tumor predisposition; Hereditary Cancer Syndrome; Hereditary neoplastic syndrome. Identifiers: Orphanet 140162, MedGen C0027672, MeSH D009386, MONDO:0015356.

Submission:

Ambry Genetics
Classification: Likely pathogenic for Hereditary cancer-predisposing syndrome. Last evaluated: 2020-02-17. Review status: criteria provided, single submitter. Criteria: Ambry Variant Classification Scheme 2023. Collection method: clinical testing. Allele origin: germline.
Comment: The c.403-2A>G intronic variant results from an A to G substitution two nucleotides upstream from coding exon 5 in the MRE11A gene. This nucleotide position is highly conserved in available vertebrate species. Using three different splice site prediction tools, this alteration is predicted by BDGP and Human Splicing Finder (HSF) to abolish the native splice acceptor site, but is predicted to weaken (but not abolish) the efficiency of the native splice acceptor site by ESEfinder; however, direct evidence is unavailable (Desmet FO et al. Nucleic Acids Res. 2009 May;37:e67). Alterations that disrupt the canonical splice site are expected to cause aberrant splicing, resulting in an abnormal protein or a transcript that is subject to nonsense-mediated mRNA decay. As such, this alteration is classified as likely pathogenic.

NM_005591.4(MRE11):c.403-2A>G

Gene: MRE11 (MRE11 double strand break repair nuclease; minus strand). Cytogenetic location: 11q21.
Variant type: single nucleotide variant.
Coding change: c.403-2A>G on transcript NM_005591.4 (MANE Select); the canonical splice acceptor site of the intron before coding-DNA position 403, A replaced by G.
Molecular consequence: splice acceptor variant.
Genome position (GRCh38, 1-based): chr11:94,478,878, T>C on the plus strand (A>G on the coding strand, the complement: MRE11 is on the minus strand). VCF-style: chr11-94478878-T-C. GRCh37 (hg19) VCF-style: chr11-94212044-T-C.
Other names: c.403-2A>G (NM_001330347.2, NM_005590.4).
Identifiers: ClinVar variation 1800275 (VCV001800275.2), dbSNP rs2135086294, ClinGen allele CA382377822.